The following is an entry in ClinVar:

ClinVar aggregate classification (germline): Uncertain significance (1 of 4 stars; one submission).

Conditions:
Inborn genetic diseases. Identifiers: MedGen C0950123, MeSH D030342.

Submission:

Ambry Genetics
Classification: Uncertain significance for Inborn genetic diseases. Last evaluated: 2025-11-11. Review status: criteria provided, single submitter. Criteria: Ambry Variant Classification Scheme 2023. Collection method: clinical testing. Allele origin: germline.
Comment: The p.D322V variant (also known as c.965A>T), located in coding exon 1 of the CEBPA gene, results from an A to T substitution at nucleotide position 965. The aspartic acid at codon 322 is replaced by valine, an amino acid with highly dissimilar properties. This amino acid position is conserved. In addition, the in silico prediction for this alteration is inconclusive. Based on the available evidence, the clinical significance of this variant remains unclear.

NM_004364.5(CEBPA):c.965A>T (p.Asp322Val)

Gene: CEBPA (CCAAT enhancer binding protein alpha; minus strand). Cytogenetic location: 19q13.11.
Variant type: single nucleotide variant.
Coding change: c.965A>T on transcript NM_004364.5 (MANE Select); coding-DNA position 965, A replaced by T.
Protein change: p.Asp322Val; replaces aspartic acid 322 with valine.
Molecular consequence: missense variant.
Genome position (GRCh38, 1-based): chr19:33,301,450, T>A on the plus strand (A>T on the coding strand, the complement: CEBPA is on the minus strand). VCF-style: chr19-33301450-T-A. GRCh37 (hg19) VCF-style: chr19-33792356-T-A.
Other names: c.608A>T, p.Asp203Val (NM_001285829.2); c.1070A>T, p.Asp357Val (NM_001287424.2); c.923A>T, p.Asp308Val (NM_001287435.2); short protein forms D203V, D322V, D357V, D308V.
Identifiers: ClinVar variation 4611362 (VCV004611362.1).